The following is an entry in ClinVar:

ClinVar aggregate classification (germline): Uncertain significance. Review status: criteria provided, multiple submitters, no conflicts (2 of 4 stars). 2 submissions from 2 submitters: Uncertain significance (2). Last evaluated 2024-01-02.

Conditions:
Inborn genetic diseases. Identifiers: MedGen C0950123, MeSH D030342.

Allele frequency attached by ClinVar (database versions not stated): ExAC 0.00016; gnomAD exomes 0.00018 and 0.00051; gnomAD 0.00034; TOPMed 0.00034; ESP Exome Variant Server 0.00046.
gnomAD v4.1: 766 of 1,613,534 alleles (0.047%); highest among the groups gnomAD compares: Non-Finnish European, 0.064%; no homozygotes.

Submissions (2):

Labcorp Genetics (formerly Invitae), Labcorp
Classification: Uncertain significance. Last evaluated: 2024-01-02. Review status: criteria provided, single submitter. Criteria: Invitae Variant Classification Sherloc (09022015). Collection method: clinical testing. Allele origin: germline.
Comment: This sequence change falls in intron 2 of the TIMM50 gene. It does not directly change the encoded amino acid sequence of the TIMM50 protein. It affects a nucleotide within the consensus splice site. This variant is present in population databases (rs201602889, gnomAD 0.04%). This variant has not been reported in the literature in individuals affected with TIMM50-related conditions. ClinVar contains an entry for this variant (Variation ID: 1000699). Variants that disrupt the consensus splice site are a relatively common cause of aberrant splicing (PMID: 17576681, 9536098). Algorithms developed to predict the effect of sequence changes on RNA splicing suggest that this variant is not likely to affect RNA splicing. In summary, the available evidence is currently insufficient to determine the role of this variant in disease. Therefore, it has been classified as a Variant of Uncertain Significance.

Ambry Genetics
Classification: Uncertain significance for Inborn genetic diseases. Last evaluated: 2023-10-10. Review status: criteria provided, single submitter. Criteria: Ambry Variant Classification Scheme 2023. Collection method: clinical testing. Allele origin: germline.
Comment: The c.568+3G>A intronic alteration consists of a G to A substitution nucleotides after coding exon 2 in the TIMM50 gene. Based on insufficient or conflicting evidence, the clinical significance of this alteration remains unclear.

Literature cited by the submitters: PubMed 17576681 (cited by Labcorp Genetics (formerly Invitae), Labcorp); PubMed 9536098 (cited by Labcorp Genetics (formerly Invitae), Labcorp).

NM_001001563.5(TIMM50):c.259+3G>A

Gene: TIMM50 (translocase of inner mitochondrial membrane 50; plus strand). Cytogenetic location: 19q13.2.
Variant type: single nucleotide variant.
Coding change: c.259+3G>A on transcript NM_001001563.5 (MANE Select); 3 bases into the intron after coding-DNA position 259, G replaced by A.
Molecular consequence: intron variant.
Genome position (GRCh38, 1-based): chr19:39,482,036, G>A. VCF-style: chr19-39482036-G-A. GRCh37 (hg19) VCF-style: chr19-39972676-G-A.
Other names: c.-22+3G>A (NM_001329559.2); c.568+3G>A (NM_001001563.1).
Identifiers: ClinVar variation 1000699 (VCV001000699.5), dbSNP rs201602889, ClinGen allele CA9431711.